The following is an entry in ClinVar:

NM_013432.5(TONSL):c.2816_2821dup (p.Gln940_Asp941insValGln)

Genes: TONSL (tonsoku like, DNA repair protein; minus strand), TONSL-AS1 (TONSL antisense RNA 1; plus strand). Cytogenetic location: 8q24.3.
Variant type: Duplication.
Coding change: c.2816_2821dup on transcript NM_013432.5 (MANE Select); coding-DNA positions 2816 to 2821, 6 bases duplicated (TTCAGG; older notation c.2816_2821dupTTCAGG).
Protein change: p.Gln940_Asp941insValGln.
Molecular consequence: inframe insertion.
Genome position (GRCh38, 1-based): chr8:144,435,505-144,435,510, CCTGAA duplicated on the plus strand (TTCAGG on the coding strand, the reverse complement: TONSL is on the minus strand); duplicating any 6 consecutive bases within chr8:144,435,505-144,435,511 gives the same sequence; the c. name uses the placement nearest the transcript's 3' end. VCF-style (leftmost placement, unchanged base first): chr8-144435504-T-TCCTGAA. GRCh37 (hg19) VCF-style: chr8-145660887-T-TCCTGAA.
Identifiers: ClinVar variation 4728697 (VCV004728697.1).

ClinVar aggregate classification (germline): Uncertain significance (1 of 4 stars; one submission).

Submission:

Labcorp Genetics (formerly Invitae), Labcorp
Classification: Uncertain significance. Last evaluated: 2025-10-08. Review status: criteria provided, single submitter. Criteria: Invitae Variant Classification Sherloc (09022015). Collection method: clinical testing. Allele origin: germline.
Comment: This variant, c.2816_2821dup, results in the insertion of 2 amino acid(s) of the TONSL protein (p.Val939_Gln940dup), but otherwise preserves the integrity of the reading frame. This variant is not present in population databases (gnomAD no frequency). This variant has not been reported in the literature in individuals affected with TONSL-related conditions. In summary, the available evidence is currently insufficient to determine the role of this variant in disease. Therefore, it has been classified as a Variant of Uncertain Significance.